The following is an entry in ClinVar:

ClinVar aggregate classification (germline): Benign. Review status: criteria provided, single submitter (1 of 4 stars). 2 submissions from 2 submitters: Benign (1). 1 of the submissions does not count toward it. Last evaluated 2026-01-05.

Conditions:
ST14-related disorder. Also called: ST14-related condition.

Allele frequency attached by ClinVar (database versions not stated): gnomAD 0.00024; 1000 Genomes Project 0.00200; 1000 Genomes Project 30x 0.00203; gnomAD exomes 0.00026; TOPMed 0.00039; ExAC 0.00054.
gnomAD v4.1: 428 of 1,614,052 alleles (0.027%); highest among the groups gnomAD compares: East Asian, 0.71%; 4 homozygotes.

Submissions (2):

Labcorp Genetics (formerly Invitae), Labcorp
Classification: Benign. Last evaluated: 2026-01-05. Review status: criteria provided, single submitter. Criteria: Invitae Variant Classification Sherloc (09022015). Collection method: clinical testing. Allele origin: germline.

PreventionGenetics, part of Exact Sciences
Classification: Likely benign for ST14-related condition. Last evaluated: 2020-12-03. Review status: no assertion criteria provided. Collection method: clinical testing. Allele origin: germline. Not counted in ClinVar's aggregate classification.
Comment: This variant is classified as likely benign based on ACMG/AMP sequence variant interpretation guidelines (Richards et al. 2015 PMID: 25741868, with internal and published modifications).

NM_021978.4(ST14):c.1856C>T (p.Thr619Met)

Gene: ST14 (ST14 transmembrane serine protease matriptase; plus strand). Cytogenetic location: 11q24.3.
Variant type: single nucleotide variant.
Coding change: c.1856C>T on transcript NM_021978.4 (MANE Select); coding-DNA position 1856, C replaced by T.
Protein change: p.Thr619Met; replaces threonine 619 with methionine.
Molecular consequence: missense variant.
Genome position (GRCh38, 1-based): chr11:130,199,999, C>T. VCF-style: chr11-130199999-C-T. GRCh37 (hg19) VCF-style: chr11-130069894-C-T.
Other names: c.1856C>T (NM_021978.3); short protein forms T619M.
Identifiers: ClinVar variation 2060313 (VCV002060313.6), dbSNP rs200800812, ClinGen allele CA6364231.
Genomic context (GRCh38, chr11:130,199,999, plus strand): 5'-CTCCCTCTGCAGACTGTGGGCTGCGGTCATTCACGAGACAGGCTCGTGTTGTTGGGGGCA[C>T]GGATGCGGATGAGGGCGAGTGGCCCTGGCAGGTAAGCCTGCATGCTCTGGGCCAGGGCCA-3'
Protein context (NP_068813.1, residues 609-629): FTRQARVVGG[Thr619Met]DADEGEWPWQ